The following is an entry in ClinVar:

ClinVar aggregate classification (germline): Benign/Likely benign. Review status: criteria provided, multiple submitters, no conflicts (2 of 4 stars). 7 submissions from 7 submitters: Benign (1); Likely benign (6). Last evaluated 2025-03-25.

Conditions:
Hereditary cancer-predisposing syndrome. Also called: Hereditary Cancer Syndrome; Tumor predisposition; Neoplastic Syndromes, Hereditary; Hereditary neoplastic syndrome. Identifiers: Orphanet 140162, MedGen C0027672, MeSH D009386, MONDO:0015356.
Peutz-Jeghers syndrome (PJS). Also called: Peutz-Jeghers polyposis; Periorificial lentiginosis syndrome; POLYPOSIS, HAMARTOMATOUS INTESTINAL; POLYPS-AND-SPOTS SYNDROME. Identifiers: Orphanet 2869, MedGen C0031269, MeSH D010580, MONDO:0008280, OMIM 175200.

Allele frequency attached by ClinVar (database versions not stated): gnomAD exomes 0.00001.
gnomAD v4.1: 19 of 1,612,582 alleles (0.0012%); highest among the groups gnomAD compares: Non-Finnish European, 0.0015%; no homozygotes.

Submissions (7):

Myriad Genetics, Inc.
Classification: Benign for Peutz-Jeghers syndrome. Last evaluated: 2025-03-25. Review status: criteria provided, single submitter. Criteria: Myriad Autosomal Dominant, Autosomal Recessive and X-Linked Classification Criteria (2023). Collection method: clinical testing. Allele origin: unknown.
Comment: This variant is considered benign. This variant is a silent/synonymous amino acid change and it is not expected to impact splicing.

All of Us Research Program, National Institutes of Health
Classification: Likely benign for Peutz-Jeghers syndrome. Last evaluated: 2024-08-06. Review status: criteria provided, single submitter. Criteria: ACMG Guidelines, 2015. Collection method: clinical testing. Allele origin: germline. Inheritance: Autosomal dominant inheritance. Observed: 1 variant allele, 1 heterozygote.
Comment: This study involves interpretation of variants in research participants for the purpose of population health screening. Participant phenotype was not available at the time of variant classification. Additional details can be found in publication PMID: 35346344, PMCID: PMC8962531

Labcorp Genetics (formerly Invitae), Labcorp
Classification: Likely benign for Peutz-Jeghers syndrome. Last evaluated: 2024-05-13. Review status: criteria provided, single submitter. Criteria: Invitae Variant Classification Sherloc (09022015). Collection method: clinical testing. Allele origin: germline.

Department of Pathology and Laboratory Medicine, Sinai Health System
Classification: Likely benign for Peutz-Jeghers syndrome. Last evaluated: 2022-10-03. Review status: criteria provided, single submitter. Criteria: ACMG Guidelines, 2015. Collection method: clinical testing. Allele origin: germline. Affected: yes.

Ambry Genetics
Classification: Likely benign for Hereditary cancer-predisposing syndrome. Last evaluated: 2019-08-30. Review status: criteria provided, single submitter. Criteria: Ambry Variant Classification Scheme 2023. Collection method: clinical testing. Allele origin: germline.

Color Diagnostics, LLC DBA Color Health
Classification: Likely benign for Hereditary cancer-predisposing syndrome. Last evaluated: 2018-11-28. Review status: criteria provided, single submitter. Criteria: ACMG Guidelines, 2015. Collection method: clinical testing. Allele origin: germline.

GeneDx
Classification: Likely benign. Last evaluated: 2017-08-01. Review status: criteria provided, single submitter. Criteria: GeneDx Variant Classification (06012015). Collection method: clinical testing. Allele origin: germline. Affected: yes.
Comment: This variant is considered likely benign or benign based on one or more of the following criteria: it is a conservative change, it occurs at a poorly conserved position in the protein, it is predicted to be benign by multiple in silico algorithms, and/or has population frequency not consistent with disease.

NM_000455.5(STK11):c.243G>A (p.Lys81=)

Gene: STK11 (serine/threonine kinase 11; plus strand). Cytogenetic location: 19p13.3.
Variant type: single nucleotide variant.
Coding change: c.243G>A on transcript NM_000455.5 (MANE Select); coding-DNA position 243, G replaced by A.
Protein change: p.Lys81=; no amino-acid change (lysine 81 retained).
Molecular consequence: synonymous variant.
Genome position (GRCh38, 1-based): chr19:1,207,156, G>A. VCF-style: chr19-1207156-G-A. GRCh37 (hg19) VCF-style: chr19-1207155-G-A.
Identifiers: ClinVar variation 511160 (VCV000511160.18), dbSNP rs961970080, ClinGen allele CA304016827.